The following is an entry in ClinVar:

ClinVar aggregate classification (germline): Benign. Review status: criteria provided, multiple submitters, no conflicts (2 of 4 stars). 4 submissions from 4 submitters: Benign (4). Last evaluated 2026-09-01.

Conditions:
Dystonic disorder. Also called: Dystonia. Identifiers: MedGen C0013421, MONDO:0003441, HP:0001332.
Dystonia 24 (DYT24). Also called: DYT-ANO3. Identifiers: Orphanet 420485, MedGen C3554374, MONDO:0014019, OMIM 615034.

Submissions (4):

CeGaT Center for Human Genetics Tuebingen
Classification: Benign. Last evaluated: 2026-09-01. Review status: criteria provided, single submitter. Criteria: CeGaT Center For Human Genetics Tuebingen Variant Classification Criteria Version 2. Collection method: clinical testing. Allele origin: germline. Affected: yes. Observed: 4 variant alleles.
Comment: ANO3: BP4, BS1, BS2

Labcorp Genetics (formerly Invitae), Labcorp
Classification: Benign for Dystonic disorder. Last evaluated: 2026-01-21. Review status: criteria provided, single submitter. Criteria: Invitae Variant Classification Sherloc (09022015). Collection method: clinical testing. Allele origin: germline.

Genome-Nilou Lab
Classification: Benign for Dystonia 24. Last evaluated: 2021-12-05. Review status: criteria provided, single submitter. Criteria: ACMG Guidelines, 2015. Collection method: clinical testing. Allele origin: germline. Affected: no.

GeneDx
Classification: Benign. Last evaluated: 2021-01-27. Review status: criteria provided, single submitter. Criteria: GeneDx Variant Classification Process June 2021. Collection method: clinical testing. Allele origin: germline. Affected: yes.

NM_031418.4(ANO3):c.1290-7del

Gene: ANO3 (anoctamin 3; plus strand). Cytogenetic location: 11p14.2.
Variant type: Deletion.
Coding change: c.1290-7del on transcript NM_031418.4 (MANE Select); 7 bases into the intron before coding-DNA position 1290, one base deleted (T; older notation c.1290-7delT).
Molecular consequence: intron variant.
Genome position (GRCh38, 1-based): chr11:26,553,242, T deleted; the last of 6 consecutive T bases (chr11:26,553,237-26,553,242); deleting any one gives the same sequence. VCF-style (leftmost placement, unchanged base first): chr11-26553236-GT-G. GRCh37 (hg19) VCF-style: chr11-26574783-GT-G.
Other names: c.1473-7del (NM_001313726.2); c.852-7del (NM_001313727.2).
Identifiers: ClinVar variation 1267792 (VCV001267792.25), dbSNP rs1006647820, ClinGen allele CA219380843.